The following is an entry in ClinVar:

NM_170606.3(KMT2C):c.13575C>T (p.Val4525=)

Gene: KMT2C (lysine methyltransferase 2C; minus strand). Cytogenetic location: 7q36.1.
Variant type: single nucleotide variant.
Coding change: c.13575C>T on transcript NM_170606.3 (MANE Select); coding-DNA position 13575, C replaced by T.
Protein change: p.Val4525=; no amino-acid change (valine 4525 retained).
Molecular consequence: synonymous variant.
Genome position (GRCh38, 1-based): chr7:152,148,352, G>A on the plus strand (C>T on the coding strand, the complement: KMT2C is on the minus strand). VCF-style: chr7-152148352-G-A. GRCh37 (hg19) VCF-style: chr7-151845437-G-A.
Identifiers: ClinVar variation 4823668 (VCV004823668.4).

ClinVar aggregate classification (germline): Likely benign (1 of 4 stars; one submission).

gnomAD v4.1: 1 of 1,614,238 alleles (0.000062%); highest among the groups gnomAD compares: Non-Finnish European, 0.000085%; no homozygotes.

Submission:

CeGaT Center for Human Genetics Tuebingen
Classification: Likely benign. Last evaluated: 2026-03-01. Review status: criteria provided, single submitter. Criteria: CeGaT Center For Human Genetics Tuebingen Variant Classification Criteria Version 2. Collection method: clinical testing. Allele origin: germline. Affected: yes. Observed: 1 variant allele.
Comment: KMT2C: BP4, BP7